The following is an entry in ClinVar:

ClinVar aggregate classification (germline): Conflicting classifications of pathogenicity. Review status: criteria provided, conflicting classifications (1 of 4 stars). 4 submissions from 4 submitters: Uncertain significance (1); Benign (1); Likely benign (1). 1 of the submissions does not count toward it. Last evaluated 2026-03-01.

Conditions:
SERPIND1-related disorder. Also called: SERPIND1-related condition.

Allele frequency attached by ClinVar (database versions not stated): ExAC 0.00021; 1000 Genomes Project 0.00060; 1000 Genomes Project 30x 0.00062; gnomAD exomes 0.00070; gnomAD 0.00155 and 0.00160; TOPMed 0.00156.
gnomAD v4.1: 605 of 1,614,212 alleles (0.037%); highest among the groups gnomAD compares: Admixed American, 0.64%; 9 homozygotes.

Submissions (4):

CeGaT Center for Human Genetics Tuebingen
Classification: Benign. Last evaluated: 2026-03-01. Review status: criteria provided, single submitter. Criteria: CeGaT Center For Human Genetics Tuebingen Variant Classification Criteria Version 2. Collection method: clinical testing. Allele origin: germline. Affected: yes. Observed: 2 variant alleles.
Comment: SERPIND1: BS1, BS2

GeneDx
Classification: Uncertain significance. Last evaluated: 2024-12-02. Review status: criteria provided, single submitter. Criteria: GeneDx Variant Classification Process June 2021. Collection method: clinical testing. Allele origin: germline. Affected: yes.
Comment: In silico analysis supports that this missense variant has a deleterious effect on protein structure/function; Has not been previously reported as pathogenic or benign in association with SERPIND1-related disorders to our knowledge; This variant is associated with the following publications: (PMID: 24950623)

Labcorp Genetics (formerly Invitae), Labcorp
Classification: Likely benign. Last evaluated: 2019-12-07. Review status: criteria provided, single submitter. Criteria: Invitae Variant Classification Sherloc (09022015). Collection method: clinical testing. Allele origin: germline.

PreventionGenetics, part of Exact Sciences
Classification: Likely benign for SERPIND1-related condition. Last evaluated: 2019-10-02. Review status: no assertion criteria provided. Collection method: clinical testing. Allele origin: germline. Not counted in ClinVar's aggregate classification.
Comment: This variant is classified as likely benign based on ACMG/AMP sequence variant interpretation guidelines (Richards et al. 2015 PMID: 25741868, with internal and published modifications).

NM_000185.4(SERPIND1):c.842T>C (p.Ile281Thr)

Genes: PI4KA (phosphatidylinositol 4-kinase alpha; minus strand), SERPIND1 (serpin family D member 1; plus strand). Cytogenetic location: 22q11.21.
Variant type: single nucleotide variant.
Coding change: c.842T>C on transcript NM_000185.4 (MANE Select); coding-DNA position 842, T replaced by C.
Protein change: p.Ile281Thr; replaces isoleucine 281 with threonine.
Molecular consequence: missense variant. On other transcripts: intron variant (3).
Genome position (GRCh38, 1-based): chr22:20,780,154, T>C. VCF-style: chr22-20780154-T-C. GRCh37 (hg19) VCF-style: chr22-21134442-T-C.
Other names: c.2262+13039A>G (NM_001362863.2); c.2328+13039A>G (NM_001362862.2, NM_058004.4); short protein forms I281T.
Identifiers: ClinVar variation 809323 (VCV000809323.49), dbSNP rs145370736, ClinGen allele CA10115961.
Genomic context (GRCh38, chr22:20,780,154, plus strand): 5'-AAACCAACAACCACATCATGAAGCTCACCAAGGGCCTCATAAAAGATGCTCTGGAGAATA[T>C]AGACCCTGCTACCCAGATGATGATTCTCAACTGCATCTACTTCAAAGGTAAGAGGCACCT-3'
Protein context (NP_000176.2, residues 271-291): KGLIKDALEN[Ile281Thr]DPATQMMILN